The following is an entry in ClinVar:

ClinVar aggregate classification (germline): Uncertain significance (1 of 4 stars; one submission).

Conditions:
Early-infantile DEE. Also called: Early infantile epileptic encephalopathy; Ohtahara syndrome; Early infantile epileptic encephalopathy with suppression bursts. Identifiers: Orphanet 1934, MedGen C0393706, MONDO:0800491.

Submission:

Labcorp Genetics (formerly Invitae), Labcorp
Classification: Uncertain significance for Early-infantile DEE. Last evaluated: 2025-03-20. Review status: criteria provided, single submitter. Criteria: Invitae Variant Classification Sherloc (09022015). Collection method: clinical testing. Allele origin: germline.
Comment: This sequence change replaces glycine, which is neutral and non-polar, with cysteine, which is neutral and slightly polar, at codon 80 of the HCN1 protein (p.Gly80Cys). This variant is not present in population databases (gnomAD no frequency). This variant has not been reported in the literature in individuals affected with HCN1-related conditions. ClinVar contains an entry for this variant (Variation ID: 949924). Invitae Evidence Modeling of protein sequence and biophysical properties (such as structural, functional, and spatial information, amino acid conservation, physicochemical variation, residue mobility, and thermodynamic stability) indicates that this missense variant is not expected to disrupt HCN1 protein function with a negative predictive value of 95%. In summary, the available evidence is currently insufficient to determine the role of this variant in disease. Therefore, it has been classified as a Variant of Uncertain Significance.

NM_021072.4(HCN1):c.238G>T (p.Gly80Cys)

Gene: HCN1 (hyperpolarization activated cyclic nucleotide gated potassium channel 1; minus strand). Cytogenetic location: 5p12.
Variant type: single nucleotide variant.
Coding change: c.238G>T on transcript NM_021072.4 (MANE Select); coding-DNA position 238, G replaced by T.
Protein change: p.Gly80Cys; replaces glycine 80 with cysteine.
Molecular consequence: missense variant.
Genome position (GRCh38, 1-based): chr5:45,695,856, C>A on the plus strand (G>T on the coding strand, the complement: HCN1 is on the minus strand). VCF-style: chr5-45695856-C-A. GRCh37 (hg19) VCF-style: chr5-45695958-C-A.
Other names: short protein forms G80C.
Identifiers: ClinVar variation 949924 (VCV000949924.10), dbSNP rs754990881, ClinGen allele CA359706460.
Genomic context (GRCh38, chr5:45,695,856, plus strand): 5'-AGGTGAACTGCCTCTGCATGAAGCCGTACTGCCGCCGGGGCCCCTCGGCGTCTTCGAAGC[C>A]CCCCGCCGGCTCCTCGCCGCCGCCGCCGCCGCCGCCACCGCCGCCACCGCCGTCCACCTT-3'
Protein context (NP_066550.2, residues 70-90): GGGGGEEPAG[Gly80Cys]FEDAEGPRRQ